The following is an entry in ClinVar:

NM_194248.3(OTOF):c.593C>T (p.Ala198Val)

Gene: OTOF (otoferlin; minus strand). Cytogenetic location: 2p23.3.
Variant type: single nucleotide variant.
Coding change: c.593C>T on transcript NM_194248.3 (MANE Select); coding-DNA position 593, C replaced by T.
Protein change: p.Ala198Val; replaces alanine 198 with valine.
Molecular consequence: missense variant.
Genome position (GRCh38, 1-based): chr2:26,502,417, G>A on the plus strand (C>T on the coding strand, the complement: OTOF is on the minus strand). VCF-style: chr2-26502417-G-A. GRCh37 (hg19) VCF-style: chr2-26725285-G-A.
Other names: c.593C>T, p.Ala198Val (NM_001287489.2); short protein forms A198V.
Identifiers: ClinVar variation 2955401 (VCV002955401.4), dbSNP rs757909285, ClinGen allele CA1564578.

ClinVar aggregate classification (germline): Conflicting classifications of pathogenicity. Review status: criteria provided, conflicting classifications (1 of 4 stars). 2 submissions from 2 submitters: Uncertain significance (1); Likely benign (1). Last evaluated 2024-07-11.

Allele frequency attached by ClinVar (database versions not stated): ExAC 0.00004; TOPMed 0.00009; gnomAD 0.00016.
gnomAD v4.1: 72 of 1,613,036 alleles (0.0045%); highest among the groups gnomAD compares: Admixed American, 0.062%; no homozygotes.

Submissions (2):

GeneDx
Classification: Uncertain significance. Last evaluated: 2024-07-11. Review status: criteria provided, single submitter. Criteria: GeneDx Variant Classification Process June 2021. Collection method: clinical testing. Allele origin: germline. Affected: yes.
Comment: In silico analysis indicates that this missense variant does not alter protein structure/function; Has not been previously published as pathogenic or benign to our knowledge

Labcorp Genetics (formerly Invitae), Labcorp
Classification: Likely benign. Last evaluated: 2024-06-26. Review status: criteria provided, single submitter. Criteria: Invitae Variant Classification Sherloc (09022015). Collection method: clinical testing. Allele origin: germline.